The following is an entry in ClinVar:

NM_001287.6(CLCN7):c.1252G>A (p.Val418Met)

Gene: CLCN7 (Cl-/H+ antiporter 7; minus strand). Cytogenetic location: 16p13.3.
Variant type: single nucleotide variant.
Coding change: c.1252G>A on transcript NM_001287.6 (MANE Select); coding-DNA position 1252, G replaced by A.
Protein change: p.Val418Met; replaces valine 418 with methionine.
Molecular consequence: missense variant.
Genome position (GRCh38, 1-based): chr16:1,452,856, C>T on the plus strand (G>A on the coding strand, the complement: CLCN7 is on the minus strand). VCF-style: chr16-1452856-C-T. GRCh37 (hg19) VCF-style: chr16-1502857-C-T.
Other names: c.1180G>A, p.Val394Met (NM_001114331.3); short protein forms V418M, V394M.
Identifiers: ClinVar variation 65634 (VCV000065634.34), dbSNP rs12926089, ClinGen allele CA344953.

ClinVar aggregate classification (germline): Benign/Likely benign. Review status: criteria provided, multiple submitters, no conflicts (2 of 4 stars). 12 submissions from 12 submitters: Benign (6); Likely benign (3). 3 of the submissions do not count toward it. Last evaluated 2026-02-04.

Conditions:
Disorder of bone. Also called: Rare bone disease related to a common gene or pathway defect; Bone disease; Bone disorder. Identifiers: Orphanet 364803, MedGen C0005940, MONDO:0005381.
Autosomal recessive osteopetrosis 4. Also called: infantile malignant CLCN7-related recessive osteopetrosis; CLCN7-Related Osteopetrosis. Identifiers: Orphanet 667, MedGen C1969106, MONDO:0012676, OMIM 611490.
Osteopetrosis. Identifiers: Orphanet 2781, MedGen C0029454, MONDO:0017198, HP:0011002.

Allele frequency attached by ClinVar (database versions not stated): gnomAD exomes 0.07712 and 0.10040; 1000 Genomes Project 0.07887; 1000 Genomes Project 30x 0.08214; gnomAD 0.10957 and 0.11417; TOPMed 0.11814; ExAC 0.12109; ESP Exome Variant Server 0.12405.
gnomAD v4.1: 160,087 of 1,579,520 alleles (10%); highest among the groups gnomAD compares: African/African-American, 17%; 9,189 homozygotes.

Submissions (12):

Labcorp Genetics (formerly Invitae), Labcorp
Classification: Benign. Last evaluated: 2026-02-04. Review status: criteria provided, single submitter. Criteria: Invitae Variant Classification Sherloc (09022015). Collection method: clinical testing. Allele origin: germline.

Mayo Clinic Laboratories, Mayo Clinic
Classification: Benign. Last evaluated: 2025-09-05. Review status: criteria provided, single submitter. Criteria: ACMG Guidelines, 2015. Collection method: clinical testing. Allele origin: germline. Observed: 9 variant alleles.
Comment: BA1, BP4

Genome Diagnostics Laboratory, The Hospital for Sick Children
Classification: Benign for Disorder of bone. Last evaluated: 2025-05-08. Review status: criteria provided, single submitter. Criteria: ACMG Guidelines, 2015. Collection method: clinical testing. Allele origin: germline. Affected: yes.
Comment: This missense variant is classified as Benign (ACMG criteria - BA1)

Blueprint Genetics
Classification: Likely benign. Last evaluated: 2024-11-27. Review status: criteria provided, single submitter. Criteria: ACMG Guidelines, 2015. Collection method: clinical testing. Allele origin: germline.

GeneDx
Classification: Benign. Last evaluated: 2021-06-09. Review status: criteria provided, single submitter. Criteria: GeneDx Variant Classification Process June 2021. Collection method: clinical testing. Allele origin: germline. Affected: yes.
Comment: This variant is associated with the following publications: (PMID: 16234969, 16120485)

Illumina Laboratory Services, Illumina
Classification: Likely benign for Osteopetrosis. Last evaluated: 2017-04-27. Review status: criteria provided, single submitter. Criteria: ICSL Variant Classification Criteria 13 December 2019. Collection method: clinical testing. Allele origin: germline.
Comment: This variant was observed as part of a predisposition screen in an ostensibly healthy population. A literature search was performed for the gene, cDNA change, and amino acid change (where applicable). No publications were found based on this search. Allele frequency data from public databases allowed determination this variant is unlikely to cause disease. Therefore, this variant is classified as likely benign.

Eurofins Ntd Llc (ga)
Classification: Benign. Last evaluated: 2016-06-22. Review status: criteria provided, single submitter. Criteria: EGL Classification Definitions 2015. Collection method: clinical testing. Allele origin: germline. Observed: 1 variant allele, 1 heterozygote.

Breakthrough Genomics
Classification: Likely benign. Review status: criteria provided, single submitter. Criteria: ACMG Guidelines, 2015. Collection method: not provided. Allele origin: germline. Inheritance: Autosomal recessive inheritance. Affected: yes.

PreventionGenetics, part of Exact Sciences
Classification: Benign. Review status: criteria provided, single submitter. Criteria: ACMG Guidelines, 2015. Collection method: clinical testing. Allele origin: germline.

Diagnostic Laboratory, Department of Genetics, University Medical Center Groningen
Classification: Benign. Review status: no assertion criteria provided. Collection method: clinical testing. Allele origin: germline. Affected: yes. Study: VKGL Data-share Consensus. Not counted in ClinVar's aggregate classification.

GeneReviews
No classification provided. Condition: Autosomal recessive osteopetrosis 4. Review status: no classification provided. Collection method: literature only. Allele origin: unknown. Not counted in ClinVar's aggregate classification.

Joint Genome Diagnostic Labs from Nijmegen and Maastricht, Radboudumc and MUMC+
Classification: Benign. Review status: no assertion criteria provided. Collection method: clinical testing. Allele origin: germline. Affected: yes. Study: VKGL Data-share Consensus. Not counted in ClinVar's aggregate classification.

Literature cited by the submitters: PubMed 16234969 (cited by GeneReviews); PubMed 20301306 (cited by GeneReviews); NCBI Bookshelf NBK1127 (cited by GeneReviews).